The following is an entry in ClinVar:

NM_007194.4(CHEK2):c.284G>A (p.Arg95Gln)

Gene: CHEK2 (checkpoint kinase 2; minus strand). Cytogenetic location: 22q12.1.
Variant type: single nucleotide variant.
Coding change: c.284G>A on transcript NM_007194.4 (MANE Select); coding-DNA position 284, G replaced by A.
Protein change: p.Arg95Gln; replaces arginine 95 with glutamine.
Molecular consequence: missense variant.
Genome position (GRCh38, 1-based): chr22:28,734,438, C>T on the plus strand (G>A on the coding strand, the complement: CHEK2 is on the minus strand). VCF-style: chr22-28734438-C-T. GRCh37 (hg19) VCF-style: chr22-29130426-C-T.
Other names: c.284G>A, p.Arg95Gln (NM_001005735.3, NM_001349956.3, NM_145862.3); c.-494G>A (NM_001257387.3); short protein forms R95Q.
Identifiers: ClinVar variation 230628 (VCV000230628.21), dbSNP rs750596499, ClinGen allele CA10168049.

ClinVar aggregate classification (germline): Uncertain significance. Review status: criteria provided, multiple submitters, no conflicts (2 of 4 stars). 4 submissions from 4 submitters: Uncertain significance (4). Last evaluated 2026-05-04.

Conditions:
CHEK2-related disorder.
Hereditary cancer-predisposing syndrome. Also called: Neoplastic Syndromes, Hereditary; Tumor predisposition; Hereditary Cancer Syndrome; Hereditary neoplastic syndrome. Identifiers: Orphanet 140162, MedGen C0027672, MeSH D009386, MONDO:0015356.
CHEK2-related cancer predisposition (TPDS4). Also called: TUMOR PREDISPOSITION SYNDROME 4; CANCER PREDISPOSITION SYNDROME, CHEK2-RELATED; CHEK2-related cancer susceptibility. Identifiers: Orphanet 524, MedGen C5882668, MONDO:0700271, OMIM 609265.
Familial cancer of breast. Also called: hereditary breast carcinoma; BREAST CANCER, FAMILIAL; Hereditary breast cancer. Identifiers: Orphanet 227535, MedGen C0346153, MONDO:0016419, OMIM 114480. Disease mechanism: loss of function.

gnomAD v4.1: 29 of 1,613,914 alleles (0.0018%); highest among the groups gnomAD compares: East Asian, 0.0022%; no homozygotes.

Submissions (4):

PreventionGenetics, part of Exact Sciences
Classification: Uncertain significance for CHEK2-related condition. Last evaluated: 2026-05-04. Review status: criteria provided, single submitter. Criteria: ACMG Guidelines, 2015. Collection method: clinical testing. Allele origin: germline.
Comment: The CHEK2 c.284G>A variant is predicted to result in the amino acid substitution p.Arg95Gln. This variant has been reported as a variant of uncertain significance in a single breast cancer patient from a large cohort (Supplementary Table SD1, Momozawa et al. 2018. PubMed ID: 30287823). This variant is reported in 0.0054% of alleles in individuals of East Asian descent in gnomAD. This variant is classified as uncertain in ClinVar (Variation ID: 230628). At this time, the clinical significance of this variant is uncertain due to the absence of conclusive functional and genetic evidence.

Labcorp Genetics (formerly Invitae), Labcorp
Classification: Uncertain significance for Familial cancer of breast. Last evaluated: 2025-11-24. Review status: criteria provided, single submitter. Criteria: Invitae Variant Classification Sherloc (09022015). Collection method: clinical testing. Allele origin: germline.
Comment: This sequence change replaces arginine, which is basic and polar, with glutamine, which is neutral and polar, at codon 95 of the CHEK2 protein (p.Arg95Gln). This variant is present in population databases (rs750596499, gnomAD 0.006%). This missense change has been observed in individual(s) with breast cancer (PMID: 30287823). ClinVar contains an entry for this variant (Variation ID: 230628). An algorithm developed to predict the effect of missense changes on protein structure and function (PolyPhen-2) suggests that this variant is likely to be tolerated. In summary, the available evidence is currently insufficient to determine the role of this variant in disease. Therefore, it has been classified as a Variant of Uncertain Significance.

Ambry Genetics
Classification: Uncertain significance for Hereditary cancer-predisposing syndrome. Last evaluated: 2024-03-22. Review status: criteria provided, single submitter. Criteria: Ambry Variant Classification Scheme 2023. Collection method: clinical testing. Allele origin: germline.
Comment: The p.R95Q variant (also known as c.284G>A), located in coding exon 1 of the CHEK2 gene, results from a G to A substitution at nucleotide position 284. The arginine at codon 95 is replaced by glutamine, an amino acid with highly similar properties. This alteration was observed in female breast cancer patients and at least one control across several studies (Momozawa Y et al. Nat Commun. 2018 10;9:4083; Weitzel JN et al. Cancer 2019 08;125:2829-2836; Dorling N Engl J Med. 2021 02;384:428-439). This amino acid position is highly conserved in available vertebrate species. In addition, the in silico prediction for this alteration is inconclusive. Based on the available evidence, the clinical significance of this alteration remains unclear.

Color Diagnostics, LLC DBA Color Health
Classification: Uncertain significance for Hereditary cancer-predisposing syndrome. Last evaluated: 2022-03-01. Review status: criteria provided, single submitter. Criteria: ACMG Guidelines, 2015. Collection method: clinical testing. Allele origin: germline.
Comment: This missense variant replaces arginine with glutamine at codon 95 of the CHEK2 protein. Computational prediction suggests that this variant may not impact protein structure and function (internally defined REVEL score threshold <= 0.5, PMID: 27666373). To our knowledge, functional studies have not been reported for this variant. This variant has been reported in an individual affected with breast cancer (PMID: 30287823). This variant has also been identified in 5/251208 chromosomes in the general population by the Genome Aggregation Database (gnomAD). The available evidence is insufficient to determine the role of this variant in disease conclusively. Therefore, this variant is classified as a Variant of Uncertain Significance.

Literature cited by the submitters: PubMed 30287823 (cited by 3 submitters); PubMed 31206626 (cited by Ambry Genetics); PubMed 33471991 (cited by Ambry Genetics).